The following is an entry in ClinVar:

ClinVar aggregate classification (germline): Likely benign (1 of 4 stars; one submission).

gnomAD v4.1: 10 of 1,482,244 alleles (0.00067%); highest among the groups gnomAD compares: Admixed American, 0.022%; no homozygotes.

Submission:

CeGaT Center for Human Genetics Tuebingen
Classification: Likely benign. Last evaluated: 2026-05-01. Review status: criteria provided, single submitter. Criteria: CeGaT Center For Human Genetics Tuebingen Variant Classification Criteria Version 2. Collection method: clinical testing. Allele origin: germline. Affected: yes. Observed: 1 variant allele.
Comment: BICRA: BP4, BP7

NM_001394372.1(BICRA):c.822G>T (p.Thr274=)

Gene: BICRA (BRD4 interacting chromatin remodeling complex associated protein; plus strand). Cytogenetic location: 19q13.33.
Variant type: single nucleotide variant.
Coding change: c.822G>T on transcript NM_001394372.1 (MANE Select); coding-DNA position 822, G replaced by T.
Protein change: p.Thr274=; no amino-acid change (threonine 274 retained).
Molecular consequence: synonymous variant.
Genome position (GRCh38, 1-based): chr19:47,679,992, G>T. VCF-style: chr19-47679992-G-T. GRCh37 (hg19) VCF-style: chr19-48183249-G-T.
Other names: c.822G>T, p.Thr274= (NM_015711.3).
Identifiers: ClinVar variation 4875090 (VCV004875090.2).